The following is an entry in ClinVar:

ClinVar aggregate classification (germline): not provided (0 of 4 stars; one submission).

Conditions:
Familial cancer of breast. Also called: Hereditary breast cancer; hereditary breast carcinoma; BREAST CANCER, FAMILIAL. Identifiers: Orphanet 227535, MedGen C0346153, MONDO:0016419, OMIM 114480. Disease mechanism: loss of function.

Submissions (2):

Brotman Baty Institute, University of Washington
No classification provided (evidence only). Condition: Breast-ovarian cancer, familial 1. Review status: no classification provided. Collection method: in vitro. Allele origin: not applicable. Functional consequence: functionally_abnormal. Not counted in ClinVar's aggregate classification.
ClinVar note: "not provided" was previously submitted as the classification for the variant. However, the classification appeared to be based only on an observation of functional data so it was converted to no classification on 2025-07-30.

ClinVar Staff, National Center for Biotechnology Information (NCBI)
No classification provided. Condition: Familial cancer of breast. Review status: no classification provided. Collection method: literature only. Allele origin: germline. Affected: yes.

Literature cited by the submitters: PubMed 9788557 (cited by ClinVar Staff, National Center for Biotechnology Information (NCBI)).

NM_007294.4(BRCA1):c.130T>G (p.Cys44Gly)

Gene: BRCA1 (BRCA1 DNA repair associated; minus strand). Cytogenetic location: 17q21.31.
Variant type: single nucleotide variant.
Coding change: c.130T>G on transcript NM_007294.4 (MANE Select); coding-DNA position 130, T replaced by G.
Protein change: p.Cys44Gly; replaces cysteine 44 with glycine.
Molecular consequence: missense variant. On other transcripts: non-coding transcript variant (1), intron variant (1).
Genome position (GRCh38, 1-based): chr17:43,115,730, A>C on the plus strand (T>G on the coding strand, the complement: BRCA1 is on the minus strand). VCF-style: chr17-43115730-A-C. GRCh37 (hg19) VCF-style: chr17-41267747-A-C.
Other names: c.130T>G, p.Cys44Gly (NM_001407644.1, NM_001407645.1, NM_001407646.1 and 192 more transcripts); c.-128T>G (NM_001407694.1, NM_001407696.1, NM_001407724.1 and 13 more transcripts); c.-132T>G (NM_001407695.1, NM_001408465.1); c.-12T>G (NM_001407697.1, NM_001407725.1, NM_001407728.1 and 47 more transcripts); c.-8T>G (NM_001407841.1); c.-59T>G (NM_001407853.1, NM_001407879.1, NM_001407882.1 and 52 more transcripts); c.-175T>G (NM_001407889.1, NM_001407900.1, NM_001408492.1); c.-174T>G (NM_001407960.1, NM_001407962.1, NM_001408510.1 and 1 more transcripts); and 2 more; short protein forms C44G.
Identifiers: ClinVar variation 54193 (VCV000054193.4), dbSNP rs80357327, ClinGen allele CA000856.
Genomic context (GRCh38, chr17:43,115,730, plus strand): 5'-TATGAAGGACAAAAACAAAAGCTAATAATGGAGCCACATAACACATTCAAACTTACTTGC[A>C]AAATATGTGGTCACACTTTGTGGAGACAGGTTCCTTGATCAACTCCAGACTAGCAGGGTA-3'
Protein context (NP_009225.1, residues 34-54): PVSTKCDHIF[Cys44Gly]KFCMLKLLNQ